The following is an entry in ClinVar:

NM_022081.6(HPS4):c.1966A>T (p.Thr656Ser)

Gene: HPS4 (HPS4 biogenesis of lysosomal organelles complex 3 subunit 2; minus strand). Cytogenetic location: 22q12.1.
Variant type: single nucleotide variant.
Coding change: c.1966A>T on transcript NM_022081.6 (MANE Select); coding-DNA position 1966, A replaced by T.
Protein change: p.Thr656Ser; replaces threonine 656 with serine.
Molecular consequence: missense variant. On other transcripts: non-coding transcript variant (8), intron variant (2).
Genome position (GRCh38, 1-based): chr22:26,453,394, T>A on the plus strand (A>T on the coding strand, the complement: HPS4 is on the minus strand). VCF-style: chr22-26453394-T-A. GRCh37 (hg19) VCF-style: chr22-26849360-T-A.
Other names: c.1966A>T (NM_022081.4, NM_022081.5); c.1966A>T, p.Thr656Ser (NM_001349896.1, NM_001349898.2, NM_001349899.2); c.2020A>T, p.Thr674Ser (NM_001349900.2, NM_001349901.1); c.1724A>T, p.His575Leu (NM_001349902.1, NM_001349903.2); c.1951A>T, p.Thr651Ser (NM_152841.2); c.1955+4465A>T (NM_001349905.1, NM_001349904.2); short protein forms T656S, H575L, T651S, T674S.
Identifiers: ClinVar variation 1525218 (VCV001525218.10), dbSNP rs148294572, ClinGen allele CA10163116.

ClinVar aggregate classification (germline): Uncertain significance. Review status: criteria provided, multiple submitters, no conflicts (2 of 4 stars). 4 submissions from 4 submitters: Uncertain significance (4). Last evaluated 2026-08-18.

Conditions:
HPS4-related disorder. Also called: HPS4-related condition.
Inborn genetic diseases. Identifiers: MedGen C0950123, MeSH D030342.

Allele frequency attached by ClinVar (database versions not stated): gnomAD 0.00011; TOPMed 0.00013; ESP Exome Variant Server 0.00023; gnomAD exomes 0.00026; ExAC 0.00031.
gnomAD v4.1: 399 of 1,613,906 alleles (0.025%); highest among the groups gnomAD compares: Non-Finnish European, 0.029%; no homozygotes.

Submissions (4):

PreventionGenetics, part of Exact Sciences
Classification: Uncertain significance for HPS4-related condition. Last evaluated: 2026-08-18. Review status: criteria provided, single submitter. Criteria: ACMG Guidelines, 2015. Collection method: clinical testing. Allele origin: germline.
Comment: The HPS4 c.1966A>T variant is predicted to result in the amino acid substitution p.Thr656Ser. To our knowledge, this variant has not been reported in the literature. This variant is reported in 0.077% of alleles in individuals of Ashkenazi Jewish descent in gnomAD. This variant has an interpretation of uncertain significance in ClinVar (Variation ID: 1525218). Although we suspect that this variant may be benign, at this time, the clinical significance of this variant is uncertain due to the absence of conclusive functional and genetic evidence.

Ambry Genetics
Classification: Uncertain significance for Inborn genetic diseases. Last evaluated: 2025-08-10. Review status: criteria provided, single submitter. Criteria: Ambry Variant Classification Scheme 2023. Collection method: clinical testing. Allele origin: germline.

Labcorp Genetics (formerly Invitae), Labcorp
Classification: Uncertain significance. Last evaluated: 2025-01-07. Review status: criteria provided, single submitter. Criteria: Invitae Variant Classification Sherloc (09022015). Collection method: clinical testing. Allele origin: germline.
Comment: This sequence change replaces threonine, which is neutral and polar, with serine, which is neutral and polar, at codon 656 of the HPS4 protein (p.Thr656Ser). This variant is present in population databases (rs148294572, gnomAD 0.08%). This variant has not been reported in the literature in individuals affected with HPS4-related conditions. ClinVar contains an entry for this variant (Variation ID: 1525218). An algorithm developed to predict the effect of missense changes on protein structure and function (PolyPhen-2) suggests that this variant is likely to be disruptive. In summary, the available evidence is currently insufficient to determine the role of this variant in disease. Therefore, it has been classified as a Variant of Uncertain Significance.

Blueprint Genetics
Classification: Uncertain significance. Last evaluated: 2024-03-26. Review status: criteria provided, single submitter. Criteria: ACMG Guidelines, 2015. Collection method: clinical testing. Allele origin: germline.